The following is an entry in ClinVar:

ClinVar aggregate classification (germline): Uncertain significance (1 of 4 stars; one submission).

Allele frequency attached by ClinVar (database versions not stated): gnomAD exomes below 0.00001; ExAC 0.00001.
gnomAD v4.1: 1 of 1,614,200 alleles (0.000062%); highest among the groups gnomAD compares: South Asian, 0.0011%; no homozygotes.

Submission:

GeneDx
Classification: Uncertain significance. Last evaluated: 2022-11-15. Review status: criteria provided, single submitter. Criteria: GeneDx Variant Classification Process June 2021. Collection method: clinical testing. Allele origin: germline. Affected: yes.
Comment: Not observed at significant frequency in large population cohorts (gnomAD); In silico analysis supports that this missense variant has a deleterious effect on protein structure/function; Has not been previously published as pathogenic or benign to our knowledge

NM_001103.4(ACTN2):c.2224A>T (p.Ile742Phe)

Gene: ACTN2 (actinin alpha 2; plus strand). Cytogenetic location: 1q43.
Variant type: single nucleotide variant.
Coding change: c.2224A>T on transcript NM_001103.4 (MANE Select); coding-DNA position 2224, A replaced by T.
Protein change: p.Ile742Phe; replaces isoleucine 742 with phenylalanine.
Molecular consequence: missense variant. On other transcripts: non-coding transcript variant (1).
Genome position (GRCh38, 1-based): chr1:236,757,555, A>T. VCF-style: chr1-236757555-A-T. GRCh37 (hg19) VCF-style: chr1-236920855-A-T.
Other names: c.2224A>T, p.Ile742Phe (NM_001278343.2); c.1600A>T, p.Ile534Phe (NM_001278344.2); c.1474A>T, p.Ile492Phe (NM_001412150.1); short protein forms I492F, I534F, I742F.
Identifiers: ClinVar variation 2502102 (VCV002502102.1), dbSNP rs768771539, ClinGen allele CA1473380.